The following is an entry in ClinVar:

NM_001039.4(SCNN1G):c.637G>A (p.Asp213Asn)

Gene: SCNN1G (sodium channel epithelial 1 subunit gamma; plus strand). Cytogenetic location: 16p12.2.
Variant type: single nucleotide variant.
Coding change: c.637G>A on transcript NM_001039.4 (MANE Select); coding-DNA position 637, G replaced by A.
Protein change: p.Asp213Asn; replaces aspartic acid 213 with asparagine.
Molecular consequence: missense variant.
Genome position (GRCh38, 1-based): chr16:23,192,370, G>A. VCF-style: chr16-23192370-G-A. GRCh37 (hg19) VCF-style: chr16-23203691-G-A.
Other names: c.637G>A (NM_001039.3); short protein forms D213N.
Identifiers: ClinVar variation 2443065 (VCV002443065.5), dbSNP rs141591871, ClinGen allele CA7959630.

ClinVar aggregate classification (germline): Uncertain significance. Review status: criteria provided, multiple submitters, no conflicts (2 of 4 stars). 3 submissions from 3 submitters: Uncertain significance (3). Last evaluated 2025-08-11.

Conditions:
Liddle syndrome 2. Identifiers: MedGen C4748251, MONDO:0020854, OMIM 618114.
Inborn genetic diseases. Identifiers: MedGen C0950123, MeSH D030342.

Allele frequency attached by ClinVar (database versions not stated): gnomAD exomes 0.00003; ExAC 0.00011; 1000 Genomes Project 30x 0.00016; 1000 Genomes Project 0.00020; gnomAD 0.00021; TOPMed 0.00026; ESP Exome Variant Server 0.00031.
gnomAD v4.1: 70 of 1,614,040 alleles (0.0043%); highest among the groups gnomAD compares: African/African-American, 0.064%; no homozygotes.

Submissions (3):

Labcorp Genetics (formerly Invitae), Labcorp
Classification: Uncertain significance. Last evaluated: 2025-08-11. Review status: criteria provided, single submitter. Criteria: Invitae Variant Classification Sherloc (09022015). Collection method: clinical testing. Allele origin: germline.
Comment: This sequence change replaces aspartic acid, which is acidic and polar, with asparagine, which is neutral and polar, at codon 213 of the SCNN1G protein (p.Asp213Asn). This variant is present in population databases (rs141591871, gnomAD 0.06%). This variant has not been reported in the literature in individuals affected with SCNN1G-related conditions. ClinVar contains an entry for this variant (Variation ID: 2443065). Invitae Evidence Modeling of protein sequence and biophysical properties (such as structural, functional, and spatial information, amino acid conservation, physicochemical variation, residue mobility, and thermodynamic stability) indicates that this missense variant is not expected to disrupt SCNN1G protein function with a negative predictive value of 80%. In summary, the available evidence is currently insufficient to determine the role of this variant in disease. Therefore, it has been classified as a Variant of Uncertain Significance.

Ambry Genetics
Classification: Uncertain significance for Inborn genetic diseases. Last evaluated: 2025-05-18. Review status: criteria provided, single submitter. Criteria: Ambry Variant Classification Scheme 2023. Collection method: clinical testing. Allele origin: germline.

Johns Hopkins Genomics, Johns Hopkins University
Classification: Uncertain significance for Liddle syndrome 2. Last evaluated: 2023-02-22. Review status: criteria provided, single submitter. Criteria: ACMG Guidelines, 2015. Collection method: clinical testing. Allele origin: germline.
Comment: This SCNN1G missense variant (rs141591871) is rare (<0.1%) in a large population dataset (gnomAD v3.1.2: 28/152114 total alleles; 0.02%; no homozygotes). It has not been reported in ClinVar nor the literature, to our knowledge. Two bioinformatic tools queried predict that this substitution would be tolerated, but these algorithms have low specificity, especially for predicting gain of function or dominant negative variants. The aspartic acid residue at this position is evolutionarily conserved across many species assessed, but several species have a different amino acid at this position, including 7 species with asparagine. We consider the clinical significance of c.637G>A; p.Asp213Asn in SCNN1G to be uncertain at this time.